The following is an entry in ClinVar:

NM_139076.3(ABRAXAS1):c.695A>C (p.Lys232Thr)

Gene: ABRAXAS1 (abraxas 1, BRCA1 A complex subunit; minus strand). Cytogenetic location: 4q21.23.
Variant type: single nucleotide variant.
Coding change: c.695A>C on transcript NM_139076.3 (MANE Select); coding-DNA position 695, A replaced by C.
Protein change: p.Lys232Thr; replaces lysine 232 with threonine.
Molecular consequence: missense variant.
Genome position (GRCh38, 1-based): chr4:83,463,595, T>G on the plus strand (A>C on the coding strand, the complement: ABRAXAS1 is on the minus strand). VCF-style: chr4-83463595-T-G. GRCh37 (hg19) VCF-style: chr4-84384748-T-G.
Other names: c.368A>C, p.Lys123Thr (NM_001345962.2); short protein forms K232T, K123T.
Identifiers: ClinVar variation 3443570 (VCV003443570.1).

ClinVar aggregate classification (germline): Uncertain significance (1 of 4 stars; one submission).

Submission:

Ambry Genetics
Classification: Uncertain significance. Last evaluated: 2024-08-24. Review status: criteria provided, single submitter. Criteria: Ambry Variant Classification Scheme 2023. Collection method: clinical testing. Allele origin: germline.
Comment: The p.K232T variant (also known as c.695A>C), located in coding exon 8 of the FAM175A gene, results from an A to C substitution at nucleotide position 695. The lysine at codon 232 is replaced by threonine, an amino acid with similar properties. This amino acid position is conserved. In addition, this alteration is predicted to be tolerated by in silico analysis. Based on the available evidence, the clinical significance of this variant remains unclear.